The following is an entry in ClinVar:

NM_004006.3(DMD):c.2368C>T (p.Gln790Ter)

Gene: DMD (dystrophin; minus strand). Cytogenetic location: Xp21.1.
Variant type: single nucleotide variant.
Coding change: c.2368C>T on transcript NM_004006.3 (MANE Select); coding-DNA position 2368, C replaced by T.
Protein change: p.Gln790Ter; replaces glutamine 790 with a stop codon.
Molecular consequence: nonsense.
Genome position (GRCh38, 1-based): chrX:32,501,767, G>A on the plus strand (C>T on the coding strand, the complement: DMD is on the minus strand). VCF-style: chrX-32501767-G-A. GRCh37 (hg19) VCF-style: chrX-32519884-G-A.
Other names: c.2344C>T, p.Gln782Ter (NM_000109.4); c.2356C>T, p.Gln786Ter (NM_004009.3); c.1999C>T, p.Gln667Ter (NM_004010.3); short protein forms Q790*, Q667*, Q782*, Q786*.
Identifiers: ClinVar variation 217183 (VCV000217183.13), dbSNP rs762860653, ClinGen allele CA347527.

ClinVar aggregate classification (germline): Pathogenic. Review status: criteria provided, multiple submitters, no conflicts (2 of 4 stars). 3 submissions from 3 submitters: Pathogenic (3). Last evaluated 2025-04-16.

Conditions:
Duchenne muscular dystrophy (DMD). Also called: MUSCULAR DYSTROPHY, PSEUDOHYPERTROPHIC PROGRESSIVE, DUCHENNE TYPE; Duchenne Muscular Dystrophy (DMD). Identifiers: Orphanet 98896, MedGen C0013264, MONDO:0010679, OMIM 310200.

Submissions (3):

Revvity Omics, Revvity
Classification: Pathogenic. Last evaluated: 2025-04-16. Review status: criteria provided, single submitter. Criteria: ACMG Guidelines, 2015. Collection method: clinical testing. Allele origin: germline.

Labcorp Genetics (formerly Invitae), Labcorp
Classification: Pathogenic for Duchenne muscular dystrophy. Last evaluated: 2024-09-10. Review status: criteria provided, single submitter. Criteria: Invitae Variant Classification Sherloc (09022015). Collection method: clinical testing. Allele origin: germline.
Comment: This sequence change creates a premature translational stop signal (p.Gln790*) in the DMD gene. It is expected to result in an absent or disrupted protein product. Loss-of-function variants in DMD are known to be pathogenic (PMID: 16770791, 25007885). This variant is not present in population databases (gnomAD no frequency). This premature translational stop signal has been observed in individuals with Duchenne muscular dystrophy (PMID: 16049303, 29973226). ClinVar contains an entry for this variant (Variation ID: 217183). For these reasons, this variant has been classified as Pathogenic.

Athena Diagnostics
Classification: Pathogenic for Duchenne muscular dystrophy. Last evaluated: 2013-12-31. Review status: criteria provided, single submitter. Criteria: Athena Diagnostics Criteria. Collection method: clinical testing. Allele origin: germline. Inheritance: X-linked recessive inheritance.
Comment: X-linked recessive inheritance

Literature cited by the submitters: PubMed 16770791 (cited by Labcorp Genetics (formerly Invitae), Labcorp); PubMed 25007885 (cited by Labcorp Genetics (formerly Invitae), Labcorp); PubMed 16049303 (cited by Labcorp Genetics (formerly Invitae), Labcorp and Athena Diagnostics); PubMed 29973226 (cited by Labcorp Genetics (formerly Invitae), Labcorp).